The following is an entry in ClinVar:

NM_006129.5(BMP1):c.1052G>C (p.Arg351Pro)

Gene: BMP1 (bone morphogenetic protein 1; plus strand). Cytogenetic location: 8p21.3.
Variant type: single nucleotide variant.
Coding change: c.1052G>C on transcript NM_006129.5 (MANE Select); coding-DNA position 1052, G replaced by C.
Protein change: p.Arg351Pro; replaces arginine 351 with proline.
Molecular consequence: missense variant. On other transcripts: non-coding transcript variant (2).
Genome position (GRCh38, 1-based): chr8:22,180,458, G>C. VCF-style: chr8-22180458-G-C. GRCh37 (hg19) VCF-style: chr8-22037971-G-C.
Other names: c.1052G>C, p.Arg351Pro (NM_001199.4); c.1052G>C (NM_006129.4); short protein forms R351P.
Identifiers: ClinVar variation 1443026 (VCV001443026.7), dbSNP rs577420762, ClinGen allele CA4664515.

ClinVar aggregate classification (germline): Uncertain significance. Review status: criteria provided, multiple submitters, no conflicts (2 of 4 stars). 2 submissions from 2 submitters: Uncertain significance (2). Last evaluated 2025-01-27.

Conditions:
Inborn genetic diseases. Identifiers: MedGen C0950123, MeSH D030342.

gnomAD v4.1: 23 of 1,613,718 alleles (0.0014%); highest among the groups gnomAD compares: Non-Finnish European, 0.0019%; no homozygotes.

Submissions (2):

Ambry Genetics
Classification: Uncertain significance for Inborn genetic diseases. Last evaluated: 2025-01-27. Review status: criteria provided, single submitter. Criteria: Ambry Variant Classification Scheme 2023. Collection method: clinical testing. Allele origin: germline.

Labcorp Genetics (formerly Invitae), Labcorp
Classification: Uncertain significance. Last evaluated: 2022-10-13. Review status: criteria provided, single submitter. Criteria: Invitae Variant Classification Sherloc (09022015). Collection method: clinical testing. Allele origin: germline.
Comment: This sequence change replaces arginine, which is basic and polar, with proline, which is neutral and non-polar, at codon 351 of the BMP1 protein (p.Arg351Pro). This variant is present in population databases (rs577420762, gnomAD 0.002%). This variant has not been reported in the literature in individuals affected with BMP1-related conditions. ClinVar contains an entry for this variant (Variation ID: 1443026). Advanced modeling of protein sequence and biophysical properties (such as structural, functional, and spatial information, amino acid conservation, physicochemical variation, residue mobility, and thermodynamic stability) performed at Invitae indicates that this missense variant is expected to disrupt BMP1 protein function. In summary, the available evidence is currently insufficient to determine the role of this variant in disease. Therefore, it has been classified as a Variant of Uncertain Significance.